The following is an entry in ClinVar:

ClinVar aggregate classification (germline): Uncertain significance. Review status: criteria provided, multiple submitters, no conflicts (2 of 4 stars). 2 submissions from 2 submitters: Uncertain significance (2). Last evaluated 2026-07-02.

Conditions:
Hereditary cancer-predisposing syndrome. Also called: Neoplastic Syndromes, Hereditary; Hereditary Cancer Syndrome; Hereditary neoplastic syndrome; Tumor predisposition. Identifiers: Orphanet 140162, MedGen C0027672, MeSH D009386, MONDO:0015356.
Tuberous sclerosis 2 (TSC2). Identifiers: Orphanet 805, MedGen C1860707, MONDO:0013199, OMIM 613254.

Submissions (2):

Ambry Genetics
Classification: Uncertain significance for Hereditary cancer-predisposing syndrome. Last evaluated: 2026-07-02. Review status: criteria provided, single submitter. Criteria: Ambry Variant Classification Scheme 2023. Collection method: clinical testing. Allele origin: germline.
Comment: The p.S1045T variant (also known as c.3133T>A), located in coding exon 27 of the TSC2 gene, results from a T to A substitution at nucleotide position 3133. The serine at codon 1045 is replaced by threonine, an amino acid with similar properties. This amino acid position is conserved. In addition, this alteration is predicted to be deleterious by in silico analysis. Based on the available evidence, the clinical significance of this variant remains unclear.

Labcorp Genetics (formerly Invitae), Labcorp
Classification: Uncertain significance for Tuberous sclerosis 2. Last evaluated: 2018-07-11. Review status: criteria provided, single submitter. Criteria: Invitae Variant Classification Sherloc (09022015). Collection method: clinical testing. Allele origin: germline.
Comment: This variant has not been reported in the literature in individuals with TSC2-related disease. Algorithms developed to predict the effect of missense changes on protein structure and function are either unavailable or do not agree on the potential impact of this missense change (SIFT: "Tolerated"; PolyPhen-2: "Probably Damaging"; Align-GVGD: "Class C0"). In summary, the available evidence is currently insufficient to determine the role of this variant in disease. Therefore, it has been classified as a Variant of Uncertain Significance. This variant is not present in population databases (ExAC no frequency). This sequence change replaces serine with threonine at codon 1045 of the TSC2 protein (p.Ser1045Thr). The serine residue is highly conserved and there is a small physicochemical difference between serine and threonine.

NM_000548.5(TSC2):c.3133T>A (p.Ser1045Thr)

Gene: TSC2 (TSC complex subunit 2; plus strand). Cytogenetic location: 16p13.3.
Variant type: single nucleotide variant.
Coding change: c.3133T>A on transcript NM_000548.5 (MANE Select); coding-DNA position 3133, T replaced by A.
Protein change: p.Ser1045Thr; replaces serine 1045 with threonine.
Molecular consequence: missense variant.
Genome position (GRCh38, 1-based): chr16:2,079,277, T>A. VCF-style: chr16-2079277-T-A. GRCh37 (hg19) VCF-style: chr16-2129278-T-A.
Other names: c.3001T>A, p.Ser1001Thr (NM_001077183.3, NM_001370404.1); c.3133T>A, p.Ser1045Thr (NM_001114382.3); c.2893T>A, p.Ser965Thr (NM_001318827.2); c.2857T>A, p.Ser953Thr (NM_001318829.2); c.2401T>A, p.Ser801Thr (NM_001318831.2); c.3034T>A, p.Ser1012Thr (NM_001318832.2); c.3004T>A, p.Ser1002Thr (NM_001363528.2, NM_001370405.1, NM_021055.3); short protein forms S801T, S1012T, S1045T, S1001T, S1002T, S953T, S965T.
Identifiers: ClinVar variation 665844 (VCV000665844.9), dbSNP rs1596383557, ClinGen allele CA394285134.
Genomic context (GRCh38, chr16:2,079,277, plus strand): 5'-CTGGGCGGGCCTGCGGGAGCTCCACGGGCAAGCTGGGTTTCACGCTCCCTGTCTTCTAGG[T>A]CTCCTGTGGGCGAGTTCCTCCTAGCGGGTGGCAGGACCAAAACCTGGCTGGTTGGGAACA-3'
Protein context (NP_000539.2, residues 1035-1055): FSNFTAVPKR[Ser1045Thr]PVGEFLLAGG